The following is an entry in ClinVar:

NM_006073.4(TRDN):c.1321G>A (p.Ala441Thr)

Gene: TRDN (triadin; minus strand). Cytogenetic location: 6q22.31.
Variant type: single nucleotide variant.
Coding change: c.1321G>A on transcript NM_006073.4 (MANE Select); coding-DNA position 1321, G replaced by A.
Protein change: p.Ala441Thr; replaces alanine 441 with threonine.
Molecular consequence: missense variant.
Genome position (GRCh38, 1-based): chr6:123,366,135, C>T on the plus strand (G>A on the coding strand, the complement: TRDN is on the minus strand). VCF-style: chr6-123366135-C-T. GRCh37 (hg19) VCF-style: chr6-123687280-C-T.
Other names: c.1324G>A, p.Ala442Thr (NM_001251987.2); c.1264G>A, p.Ala422Thr (NM_001407315.1); short protein forms A442T, A422T, A441T.
Identifiers: ClinVar variation 1769918 (VCV001769918.2), dbSNP rs930768075, ClinGen allele CA365565888.

ClinVar aggregate classification (germline): Uncertain significance (1 of 4 stars; one submission).

Conditions:
Cardiovascular phenotype. Identifiers: MedGen CN230736.

gnomAD v4.1: 3 of 1,609,924 alleles (0.00019%); highest among the groups gnomAD compares: East Asian, 0.0022%; no homozygotes.

Submission:

Ambry Genetics
Classification: Uncertain significance for Cardiovascular phenotype. Last evaluated: 2022-04-28. Review status: criteria provided, single submitter. Criteria: Ambry Variant Classification Scheme 2023. Collection method: clinical testing. Allele origin: germline.
Comment: The c.1321G>A variant (also known as p.A441T), located in coding exon 20 of the TRDN gene, results from a G to A substitution at nucleotide position 1321. The amino acid change results in alanine to threonine at codon 441, an amino acid with similar properties. However, this change occurs in the last base pair of coding exon 20, which makes it likely to have some effect on normal mRNA splicing. This nucleotide position is highly conserved in available vertebrate species. This amino acid position is well conserved in available vertebrate species. In silico splice site analysis predicts that this alteration will weaken the native splice donor site. In addition, this alteration is predicted to be tolerated by Bayesdel in silico analysis. However, this alteration does not impact the predominant cardiac isoform of TRDN (NM_001256021.1; Kobayashi YM et al. J. Biol. Chem., 1999 Oct;274:28660-8). Since supporting evidence is limited at this time, the clinical significance of this alteration remains unclear.